The following is an entry in ClinVar:

NM_001364171.2(ODAD1):c.919G>T (p.Ala307Ser)

Gene: ODAD1 (outer dynein arm docking complex subunit 1; minus strand). Cytogenetic location: 19q13.33.
Variant type: single nucleotide variant.
Coding change: c.919G>T on transcript NM_001364171.2 (MANE Select); coding-DNA position 919, G replaced by T.
Protein change: p.Ala307Ser; replaces alanine 307 with serine.
Molecular consequence: missense variant.
Genome position (GRCh38, 1-based): chr19:48,303,719, C>A on the plus strand (G>T on the coding strand, the complement: ODAD1 is on the minus strand). VCF-style: chr19-48303719-C-A. GRCh37 (hg19) VCF-style: chr19-48806976-C-A.
Other names: c.808G>T, p.Ala270Ser (NM_144577.4); short protein forms A270S, A307S.
Identifiers: ClinVar variation 454973 (VCV000454973.8), dbSNP rs772349661, ClinGen allele CA9548906.

ClinVar aggregate classification (germline): Uncertain significance. Review status: criteria provided, multiple submitters, no conflicts (2 of 4 stars). 2 submissions from 2 submitters: Uncertain significance (2). Last evaluated 2025-10-18.

Conditions:
Primary ciliary dyskinesia. Also called: Ciliary dyskinesia. Identifiers: Orphanet 244, MedGen C0008780, MONDO:0016575, HP:0012265.

Allele frequency attached by ClinVar (database versions not stated): ExAC 0.00001; gnomAD 0.00001; gnomAD exomes 0.00001; TOPMed 0.00002.

Submissions (2):

Ambry Genetics
Classification: Uncertain significance for Primary ciliary dyskinesia. Last evaluated: 2025-10-18. Review status: criteria provided, single submitter. Criteria: Ambry Variant Classification Scheme 2023. Collection method: clinical testing. Allele origin: germline.

Labcorp Genetics (formerly Invitae), Labcorp
Classification: Uncertain significance for Primary ciliary dyskinesia. Last evaluated: 2017-03-31. Review status: criteria provided, single submitter. Criteria: Invitae Variant Classification Sherloc (09022015). Collection method: clinical testing. Allele origin: germline.
Comment: This sequence change replaces alanine with serine at codon 270 of the CCDC114 protein (p.Ala270Ser). The alanine residue is moderately conserved and there is a moderate physicochemical difference between alanine and serine. In summary, this variant is a rare missense change with uncertain impact on protein function. There is no indication that it causes disease, but the available evidence is currently insufficient to prove that conclusively. Therefore, it has been classified as a Variant of Uncertain Significance. Algorithms developed to predict the effect of missense changes on protein structure and function do not agree on the potential impact of this missense change (SIFT: "Tolerated"; PolyPhen-2: "Possibly Damaging"; Align-GVGD: "Class C0"). This variant is present in population databases (rs772349661, ExAC 0.002%) but has not been reported in the literature in individuals with a CCDC114-related disease.